The following is an entry in ClinVar:

ClinVar aggregate classification (germline): Likely pathogenic (1 of 4 stars; one submission).

Submission:

Labcorp Genetics (formerly Invitae), Labcorp
Classification: Likely pathogenic. Last evaluated: 2024-02-13. Review status: criteria provided, single submitter. Criteria: Invitae Variant Classification Sherloc (09022015). Collection method: clinical testing. Allele origin: germline.
Comment: This sequence change affects a splice site in intron 6 of the TULP1 gene. It is expected to disrupt RNA splicing. Variants that disrupt the donor or acceptor splice site typically lead to a loss of protein function (PMID: 16199547), and loss-of-function variants in TULP1 are known to be pathogenic (PMID: 8606774, 10549638, 15024725, 18055821). This variant is not present in population databases (gnomAD no frequency). This variant has not been reported in the literature in individuals affected with TULP1-related conditions. In summary, the currently available evidence indicates that the variant is pathogenic, but additional data are needed to prove that conclusively. Therefore, this variant has been classified as Likely Pathogenic.

Literature cited by the submitters: PubMed 16199547; PubMed 8606774; PubMed 10549638; PubMed 15024725; PubMed 18055821.

NM_003322.6(TULP1):c.602-24_602-2del

Gene: TULP1 (TUB like protein 1; minus strand). Cytogenetic location: 6p21.31.
Variant type: Deletion.
Coding change: c.602-24_602-2del on transcript NM_003322.6 (MANE Select); 24 bases into the intron before coding-DNA position 602 through the canonical splice acceptor site of the intron before coding-DNA position 602, 23 bases deleted (ACGCTTTCACATCCACACATGCA).
Molecular consequence: splice acceptor variant.
Genome position (GRCh38, 1-based): chr6:35,509,752-35,509,774, TGCATGTGTGGATGTGAAAGCGT deleted on the plus strand (ACGCTTTCACATCCACACATGCA on the coding strand, the reverse complement: TULP1 is on the minus strand). VCF-style (leftmost placement, unchanged base first): chr6-35509751-CTGCATGTGTGGATGTGAAAGCGT-C. GRCh37 (hg19) VCF-style: chr6-35477528-CTGCATGTGTGGATGTGAAAGCGT-C.
Other names: c.443-24_443-2del (NM_001289395.2).
Identifiers: ClinVar variation 3638952 (VCV003638952.2).